The following is an entry in ClinVar:

ClinVar aggregate classification (germline): Uncertain significance (1 of 4 stars; one submission).

Conditions:
Hereditary sensory and autonomic neuropathy type 6. Also called: HSAN VI; Neuropathy, hereditary sensory and autonomic, type VI. Identifiers: Orphanet 314381, MedGen C3539003, MONDO:0013839, OMIM 614653.
Epidermolysis bullosa simplex 3, localized or generalized intermediate, with BP230 deficiency (EBS3). Also called: Epidermolysis bullosa simplex, autosomal recessive 2; Epidermolysis bullosa simplex due to BP230 deficiency. Identifiers: Orphanet 412181, MedGen C3809470, MONDO:0014180, OMIM 615425.

Submission:

Labcorp Genetics (formerly Invitae), Labcorp
Classification: Uncertain significance for Epidermolysis bullosa simplex 3, localized or generalized intermediate, with BP230 deficiency; Hereditary sensory and autonomic neuropathy type 6. Last evaluated: 2021-10-10. Review status: criteria provided, single submitter. Criteria: Invitae Variant Classification Sherloc (09022015). Collection method: clinical testing. Allele origin: germline.
Comment: This sequence change replaces phenylalanine with leucine at codon 1534 of the DST protein (p.Phe1534Leu). The phenylalanine residue is highly conserved and there is a small physicochemical difference between phenylalanine and leucine. This variant is not present in population databases (ExAC no frequency). This variant has not been reported in the literature in individuals affected with DST-related conditions. Algorithms developed to predict the effect of missense changes on protein structure and function are either unavailable or do not agree on the potential impact of this missense change (SIFT: "Deleterious"; PolyPhen-2: "Benign"; Align-GVGD: "Class C15"). In summary, the available evidence is currently insufficient to determine the role of this variant in disease. Therefore, it has been classified as a Variant of Uncertain Significance.

NM_001723.7(DST):c.4600T>C (p.Phe1534Leu)

Gene: DST (dystonin; minus strand). Cytogenetic location: 6p12.1.
Variant type: single nucleotide variant.
Coding change: c.4600T>C on transcript NM_001723.7 (MANE Plus Clinical); coding-DNA position 4600, T replaced by C.
Protein change: p.Phe1534Leu; replaces phenylalanine 1534 with leucine.
Molecular consequence: missense variant. On other transcripts: intron variant (10).
Genome position (GRCh38, 1-based): chr6:56,619,434, A>G on the plus strand (T>C on the coding strand, the complement: DST is on the minus strand). VCF-style: chr6-56619434-A-G. GRCh37 (hg19) VCF-style: chr6-56484232-A-G.
Other names: c.4831-4950T>C (NM_001144769.5); c.4930-4950T>C (NM_001374722.1, NM_001374736.1); c.4957-4950T>C (NM_001374734.1); c.4417-4950T>C (NM_001144770.2); c.4297-4950T>C (NM_001374730.1, NM_001386100.1, NM_183380.4 and 1 more transcripts); c.3319-4950T>C (NM_015548.5); short protein forms F1534L.
Identifiers: ClinVar variation 1430777 (VCV001430777.6), dbSNP rs2152736986, ClinGen allele CA364569309.